The following is an entry in ClinVar:

NM_000277.3(PAH):c.745C>T (p.Leu249Phe)

Gene: PAH (phenylalanine hydroxylase; minus strand). Cytogenetic location: 12q23.2.
Variant type: single nucleotide variant.
Coding change: c.745C>T on transcript NM_000277.3 (MANE Select); coding-DNA position 745, C replaced by T.
Protein change: p.Leu249Phe; replaces leucine 249 with phenylalanine.
Molecular consequence: missense variant.
Genome position (GRCh38, 1-based): chr12:102,852,912, G>A on the plus strand (C>T on the coding strand, the complement: PAH is on the minus strand). VCF-style: chr12-102852912-G-A. GRCh37 (hg19) VCF-style: chr12-103246690-G-A.
Other names: p.L249F:CTT>TTT; NM_000277.2(PAH):c.745C>T; c.745C>T, p.Leu249Phe (NM_001354304.2); c.745C>T (NM_000277.2); short protein forms L249F.
Identifiers: ClinVar variation 102821 (VCV000102821.41), dbSNP rs74503222, ClinGen allele CA273356.
Genomic context (GRCh38, chr12:102,852,912, plus strand): 5'-TGTACTGTGTGCAGTGGAAGACTCGGAAGGCCAGGCCACCCAAGAAATCCCGAGAGGAAA[G>A]CAGGCCAGCCACAGGTCGGAGGCGGAAACCAGTGCAAGCTGGGATGAAAAGAAGAAAGAA-3'
Protein context (NP_000268.1, residues 239-259): GFRLRPVAGL[Leu249Phe]SSRDFLGGLA

ClinVar aggregate classification (germline): Pathogenic. Review status: reviewed by expert panel (3 of 4 stars). 13 submissions from 13 submitters: Pathogenic (1). 12 of the submissions do not count toward it. Last evaluated 2018-08-12.

Conditions:
PAH-related disorder. Also called: PAH-related condition.
Phenylketonuria (PKU). Also called: OLIGOPHRENIA PHENYLPYRUVICA; Phenylketonurias; Phenylketonuria (PKU); FOLLING DISEASE. Identifiers: Orphanet 716, MedGen C0031485, MONDO:0009861, OMIM 261600. Disease mechanism: loss of function.

Allele frequency attached by ClinVar (database versions not stated): gnomAD exomes 0.00007 and 0.00004; gnomAD 0.00003 and 0.00004; TOPMed 0.00005; ExAC 0.00002.
gnomAD v4.1: 109 of 1,614,000 alleles (0.0068%); highest among the groups gnomAD compares: Non-Finnish European, 0.0083%; no homozygotes.

Submissions (13):

ClinGen PAH Variant Curation Expert Panel
Classification: Pathogenic for Phenylketonuria. Last evaluated: 2018-08-12. Review status: reviewed by expert panel. Criteria: ClinGen PAH ACMG Specifications v1. Collection method: curation. Allele origin: germline. Inheritance: Autosomal recessive inheritance.
Comment: PAH-specific ACMG/AMP criteria applied: PM2: Absent from 1000G, ESP. Extremely low frequency in ExAC and gnomAD (0.00004065); PP3: Deleterious effect predicted in SIFT, Polyphen2, MutationTaster. REVEL=0.981; PP4_Moderate: L249F was seen 3 times in HPA patients associated with 2 different haplotypes. DHPR defeciency was excluded. Upgraded per ClinGen Metabolic workgroup. (PMID:8533759); PM3_VeryStrong: Seen with R261X, A309V, V388M, R261Q. All Pathogenic/Likely Pathogenic in ClinVar. Upgraded per ClinGen SVI Workgroup (PMID:21871829; PMID:24765287). In summary this variant meets criteria to be classified as pathogenic for phenylketonuria in an autosomal recessive manner based on the ACMG/AMP criteria applied as specified by the PAH Expert Panel: (PM2, PP3, PP4_Moderate, PM3_VeryStrong).

Otogenetics
Classification: Pathogenic for Phenylketonuria. Last evaluated: 2026-02-07. Review status: criteria provided, single submitter. Criteria: ACMG Guidelines, 2015. Collection method: clinical testing. Allele origin: germline. Not counted in ClinVar's aggregate classification.
Comment: PM2_Supporting: Maximum gnomAD MAF of 0.014% in European-Finnish (FIN) subpopulation (<0.02% threshold); PM3_VeryStrong: Variant reported in homozygous state in two affected individuals and in trans with multiple pathogenic variants in numerous individuals affected with phenylketonuria (PMID: 18394115, 24368688, 24765287, 33465300); PM5_Supporting: Likely pathogenic missense amino acid changes occur in same position: c.746T>A p.Leu249His (PMID: 10980574); PP3_Strong: In-silico models predict deleterious effect (Revel = 0.98, BayesDel = 0.59)

Natera, Inc.
Classification: Pathogenic for Phenylketonuria. Last evaluated: 2026-01-15. Review status: criteria provided, single submitter. Criteria: Natera Variant Classification Schema (03/2026). Collection method: clinical testing. Allele origin: germline. Not counted in ClinVar's aggregate classification.
Comment: The c.745C>T variant in PAH is a missense variant predicted to cause substitution of leucine to phenylalanine at amino acid 249. This variant is rare in the general population with a frequency below the threshold expected for the associated phenotype(s). This variant has been observed in one or more individuals affected with the associated recessive disease, as either homozygous or compound heterozygous with a second variant (PMID: 21871829). Given the available evidence, this variant is classified as Pathogenic.

CeGaT Center for Human Genetics Tuebingen
Classification: Pathogenic. Last evaluated: 2025-11-01. Review status: criteria provided, single submitter. Criteria: CeGaT Center For Human Genetics Tuebingen Variant Classification Criteria Version 2. Collection method: clinical testing. Allele origin: germline. Affected: yes. Observed: 2 variant alleles. Not counted in ClinVar's aggregate classification.
Comment: PAH: PM3:Very Strong, PM2, PM5, PP4:Moderate, PP3

Labcorp Genetics (formerly Invitae), Labcorp
Classification: Pathogenic for Phenylketonuria. Last evaluated: 2025-07-25. Review status: criteria provided, single submitter. Criteria: Invitae Variant Classification Sherloc (09022015). Collection method: clinical testing. Allele origin: germline. Not counted in ClinVar's aggregate classification.
Comment: This sequence change replaces leucine, which is neutral and non-polar, with phenylalanine, which is neutral and non-polar, at codon 249 of the PAH protein (p.Leu249Phe). This variant is present in population databases (rs74503222, gnomAD 0.01%). This missense change has been observed in individual(s) with PAH-related conditions (PMID: 1349566, 8533759, 24368688, 24765287, 25155776; internal data). ClinVar contains an entry for this variant (Variation ID: 102821). Invitae Evidence Modeling of protein sequence and biophysical properties (such as structural, functional, and spatial information, amino acid conservation, physicochemical variation, residue mobility, and thermodynamic stability) indicates that this missense variant is expected to disrupt PAH protein function with a positive predictive value of 80%. For these reasons, this variant has been classified as Pathogenic.

GeneDx
Classification: Pathogenic. Last evaluated: 2025-06-22. Review status: criteria provided, single submitter. Criteria: GeneDx Variant Classification Process June 2021. Collection method: clinical testing. Allele origin: germline. Affected: yes. Not counted in ClinVar's aggregate classification.
Comment: Not observed at significant frequency in large population cohorts (gnomAD); In silico analysis supports that this missense variant has a deleterious effect on protein structure/function; BH4 responsiveness in patients with p.(L249F) is unclear (PMID: 21871829); This variant is associated with the following publications: (PMID: 7913581, 8875186, 25750018, 8533759, 18394115, 1349566, 8659548, 18798839, 24765287, 24368688, 30037505, 27620137, 33375644, 32778825, 37421234, 32668217, 21871829, 25155776, 33465300)

Revvity Omics, Revvity
Classification: Pathogenic for Phenylketonuria. Last evaluated: 2022-12-01. Review status: criteria provided, single submitter. Criteria: ACMG Guidelines, 2015. Collection method: clinical testing. Allele origin: germline. Not counted in ClinVar's aggregate classification.

Quest Diagnostics Nichols Institute San Juan Capistrano
Classification: Pathogenic. Last evaluated: 2022-10-21. Review status: criteria provided, single submitter. Criteria: Quest Diagnostics criteria. Collection method: clinical testing. Allele origin: unknown. Not counted in ClinVar's aggregate classification.
Comment: The frequency of this variant in the general population, 0.00014 (3/21632 chromosomes), is uninformative in assessment of its pathogenicity. In the published literature, the variant is associated with a variable phenotype that ranges from non-PKU hyperphenylalaninemia to classic PKU (PMIDs: 25155776 (2014), 24368688 (2014), 23357515 (2013), 23430918 (2012), 22112818 (2012), 24765287 (2011), 21871829 (2011), 18798839 (2008), 18394115 (2008), 12173030 (2002), 11385716 (2001), 10429004 (1999), 9634518 (1998), 8831077 (1996), 8632937 (1996), 8533759 (1995), and 1349566 (1992)). In addition, this variant has been observed in individuals with reported PAH deficiency with undetermined PAH enzymatic activity (PMID: 21871829 (2011)). Analysis of this variant using bioinformatics tools for the prediction of the effect of amino acid changes on protein structure and function yielded predictions that this variant is damaging. Based on the available information, this variant is classified as pathogenic.

Blueprint Genetics
Classification: Pathogenic for PAH-related disorders. Last evaluated: 2022-03-09. Review status: criteria provided, single submitter. Criteria: ACMG Guidelines, 2015. Collection method: clinical testing. Allele origin: germline. Affected: yes. Observed: 5 variant alleles. Not counted in ClinVar's aggregate classification.

Women's Health and Genetics/Laboratory Corporation of America, LabCorp
Classification: Pathogenic for Phenylketonuria. Last evaluated: 2017-05-26. Review status: criteria provided, single submitter. Criteria: LabCorp Variant Classification Summary - May 2015. Collection method: clinical testing. Allele origin: germline. Not counted in ClinVar's aggregate classification.
Comment: Variant summary: The PAH c.745C>T (p.Leu249Phe) variant located in the Aromatic amino acid hydroxylase, C-terminal domain (via InterPro) involves the alteration of a conserved nucleotide and 4/5 in silico tools predict a damaging outcome. This variant was found in 3/121308 control chromosomes at a frequency of 0.0000247, which does not exceed the estimated maximal expected allele frequency of a pathogenic PAH variant (0.0079057). Multiple publications have cited the variant in affected individuals. In addition, multiple clinical diagnostic laboratories/reputable databases classified this variant as pathogenic. Taken together, this variant is classified as pathogenic.

Eurofins Ntd Llc (ga)
Classification: Pathogenic. Last evaluated: 2014-04-30. Review status: criteria provided, single submitter. Criteria: EGL Classification Definitions 2015. Collection method: clinical testing. Allele origin: germline. Observed: 6 variant alleles, 6 heterozygotes. Not counted in ClinVar's aggregate classification.

Counsyl
Classification: Pathogenic for Phenylketonuria. Last evaluated: 2016-05-27. Review status: no assertion criteria provided. Collection method: clinical testing. Allele origin: unknown. Not counted in ClinVar's aggregate classification.

DeBelle Laboratory for Biochemical Genetics, MUHC/MCH RESEARCH INSTITUTE
No classification provided. Review status: no classification provided. Collection method: not provided. Allele origin: not provided. Not counted in ClinVar's aggregate classification.

Literature cited by the submitters: PubMed 21871829 (cited by 6 submitters); PubMed 8533759 (cited by 5 submitters); PubMed 24765287 (cited by 5 submitters); PubMed 10980574 (cited by Otogenetics); PubMed 18394115 (cited by 3 submitters); PubMed 24368688 (cited by 5 submitters); PubMed 33465300 (cited by Otogenetics); PubMed 1349566 (cited by 4 submitters); PubMed 25155776 (cited by 3 submitters); PubMed 23357515 (cited by Quest Diagnostics Nichols Institute San Juan Capistrano and Counsyl); PubMed 23430918 (cited by Quest Diagnostics Nichols Institute San Juan Capistrano and Counsyl); PubMed 22112818 (cited by Quest Diagnostics Nichols Institute San Juan Capistrano and Counsyl); PubMed 18798839 (cited by 3 submitters); PubMed 12173030 (cited by Quest Diagnostics Nichols Institute San Juan Capistrano and Counsyl); PubMed 11385716 (cited by Quest Diagnostics Nichols Institute San Juan Capistrano and Counsyl); PubMed 10429004 (cited by Quest Diagnostics Nichols Institute San Juan Capistrano and Counsyl); PubMed 9634518 (cited by Quest Diagnostics Nichols Institute San Juan Capistrano and Counsyl); PubMed 8831077 (cited by Quest Diagnostics Nichols Institute San Juan Capistrano and Counsyl); PubMed 8632937 (cited by Quest Diagnostics Nichols Institute San Juan Capistrano and Counsyl); PubMed 17924342 (cited by Counsyl).